The following is an entry in ClinVar:

NM_000455.5(STK11):c.46G>A (p.Glu16Lys)

Gene: STK11 (serine/threonine kinase 11; plus strand). Cytogenetic location: 19p13.3.
Variant type: single nucleotide variant.
Coding change: c.46G>A on transcript NM_000455.5 (MANE Select); coding-DNA position 46, G replaced by A.
Protein change: p.Glu16Lys; replaces glutamic acid 16 with lysine.
Molecular consequence: missense variant.
Genome position (GRCh38, 1-based): chr19:1,206,959, G>A. VCF-style: chr19-1206959-G-A. GRCh37 (hg19) VCF-style: chr19-1206958-G-A.
Other names: short protein forms E16K.
Identifiers: ClinVar variation 964222 (VCV000964222.10), dbSNP rs1179004732, ClinGen allele CA402943242.

ClinVar aggregate classification (germline): Uncertain significance. Review status: criteria provided, multiple submitters, no conflicts (2 of 4 stars). 2 submissions from 2 submitters: Uncertain significance (2). Last evaluated 2026-08-28.

Conditions:
Hereditary cancer-predisposing syndrome. Also called: Neoplastic Syndromes, Hereditary; Hereditary Cancer Syndrome; Tumor predisposition; Hereditary neoplastic syndrome. Identifiers: Orphanet 140162, MedGen C0027672, MeSH D009386, MONDO:0015356.
Peutz-Jeghers syndrome (PJS). Also called: POLYPOSIS, HAMARTOMATOUS INTESTINAL; POLYPS-AND-SPOTS SYNDROME; Peutz-Jeghers polyposis; Periorificial lentiginosis syndrome. Identifiers: Orphanet 2869, MedGen C0031269, MeSH D010580, MONDO:0008280, OMIM 175200.

Allele frequency attached by ClinVar (database versions not stated): gnomAD exomes 0.00001 and below 0.00001.
gnomAD v4.1: 2 of 1,608,654 alleles (0.00012%); highest among the groups gnomAD compares: Admixed American, 0.0017%; no homozygotes.

Submissions (2):

Ambry Genetics
Classification: Uncertain significance for Hereditary cancer-predisposing syndrome. Last evaluated: 2026-08-28. Review status: criteria provided, single submitter. Criteria: Ambry Variant Classification Scheme 2023. Collection method: clinical testing. Allele origin: germline.
Comment: The p.E16K variant (also known as c.46G>A), located in coding exon 1 of the STK11 gene, results from a G to A substitution at nucleotide position 46. The glutamic acid at codon 16 is replaced by lysine, an amino acid with similar properties. This amino acid position is highly conserved in available vertebrate species. In addition, the in silico prediction for this alteration is inconclusive. Based on the available evidence, the clinical significance of this variant remains unclear.

Labcorp Genetics (formerly Invitae), Labcorp
Classification: Uncertain significance for Peutz-Jeghers syndrome. Last evaluated: 2022-02-08. Review status: criteria provided, single submitter. Criteria: Invitae Variant Classification Sherloc (09022015). Collection method: clinical testing. Allele origin: germline.
Comment: This variant disrupts the p.Glu16 amino acid residue in STK11. Other variant(s) that disrupt this residue have been determined to be pathogenic (PMID: 21411391). This suggests that this residue is clinically significant, and that variants that disrupt this residue are likely to be disease-causing. This sequence change replaces glutamic acid, which is acidic and polar, with lysine, which is basic and polar, at codon 16 of the STK11 protein (p.Glu16Lys). This variant is present in population databases (no rsID available, gnomAD 0.003%). This variant has not been reported in the literature in individuals affected with STK11-related conditions. ClinVar contains an entry for this variant (Variation ID: 964222). Advanced modeling of protein sequence and biophysical properties (such as structural, functional, and spatial information, amino acid conservation, physicochemical variation, residue mobility, and thermodynamic stability) performed at Invitae indicates that this missense variant is not expected to disrupt STK11 protein function. In summary, the available evidence is currently insufficient to determine the role of this variant in disease. Therefore, it has been classified as a Variant of Uncertain Significance.

Literature cited by the submitters: PubMed 21411391 (cited by Labcorp Genetics (formerly Invitae), Labcorp).